The following is an entry in ClinVar:

NM_007118.4(TRIO):c.7453T>C (p.Phe2485Leu)

Gene: TRIO (trio Rho guanine nucleotide exchange factor; plus strand). Cytogenetic location: 5p15.2.
Variant type: single nucleotide variant.
Coding change: c.7453T>C on transcript NM_007118.4 (MANE Select); coding-DNA position 7453, T replaced by C.
Protein change: p.Phe2485Leu; replaces phenylalanine 2485 with leucine.
Molecular consequence: missense variant.
Genome position (GRCh38, 1-based): chr5:14,488,081, T>C. VCF-style: chr5-14488081-T-C. GRCh37 (hg19) VCF-style: chr5-14488190-T-C.
Other names: short protein forms F2485L.
Identifiers: ClinVar variation 3058002 (VCV003058002.22), dbSNP rs780213298, ClinGen allele CA3207432.
Genomic context (GRCh38, chr5:14,488,081, plus strand): 5'-GTCCCTTCTCTCGGCAAGGAGCCCTTCCCCCCCAGCAGCCCCCTGCAGAAGGGGGGCTCC[T>C]TCTGGAGCTCCATCCCCGCCTCCCCCGCCAGCCGACCCGGCTCCTTCACCTTCCCGGGGG-3'
Protein context (NP_009049.2, residues 2475-2495): PSSPLQKGGS[Phe2485Leu]WSSIPASPAS

ClinVar aggregate classification (germline): Likely benign. Review status: criteria provided, single submitter (1 of 4 stars). 2 submissions from 2 submitters: Likely benign (1). 1 of the submissions does not count toward it. Last evaluated 2024-03-01.

Conditions:
TRIO-related disorder. Also called: TRIO-related condition; TRIO-related disorders.

Allele frequency attached by ClinVar (database versions not stated): gnomAD 0.00007; gnomAD exomes 0.00007; TOPMed 0.00007; ExAC 0.00010.
gnomAD v4.1: 117 of 1,609,610 alleles (0.0073%); highest among the groups gnomAD compares: Middle Eastern, 0.033%; no homozygotes.

Submissions (2):

CeGaT Center for Human Genetics Tuebingen
Classification: Likely benign. Last evaluated: 2024-03-01. Review status: criteria provided, single submitter. Criteria: CeGaT Center For Human Genetics Tuebingen Variant Classification Criteria Version 2. Collection method: clinical testing. Allele origin: germline. Affected: yes. Observed: 1 variant allele.
Comment: TRIO: BS1

PreventionGenetics, part of Exact Sciences
Classification: Likely benign for TRIO-related condition. Last evaluated: 2022-09-27. Review status: no assertion criteria provided. Collection method: clinical testing. Allele origin: germline. Not counted in ClinVar's aggregate classification.
Comment: This variant is classified as likely benign based on ACMG/AMP sequence variant interpretation guidelines (Richards et al. 2015 PMID: 25741868, with internal and published modifications).